The following is an entry in ClinVar:

NM_002181.4(IHH):c.85G>T (p.Gly29Trp)

Gene: IHH (Indian hedgehog signaling molecule; minus strand). Cytogenetic location: 2q35.
Variant type: single nucleotide variant.
Coding change: c.85G>T on transcript NM_002181.4 (MANE Select); coding-DNA position 85, G replaced by T.
Protein change: p.Gly29Trp; replaces glycine 29 with tryptophan.
Molecular consequence: missense variant.
Genome position (GRCh38, 1-based): chr2:219,060,383, C>A on the plus strand (G>T on the coding strand, the complement: IHH is on the minus strand). VCF-style: chr2-219060383-C-A. GRCh37 (hg19) VCF-style: chr2-219925105-C-A.
Other names: short protein forms G29W.
Identifiers: ClinVar variation 3344230 (VCV003344230.1).

ClinVar aggregate classification (germline): Uncertain significance (0 of 4 stars; one submission).

Conditions:
IHH-related disorder. Also called: IHH-related condition.

Submission:

PreventionGenetics, part of Exact Sciences
Classification: Uncertain significance for IHH-related condition. Last evaluated: 2024-08-13. Review status: no assertion criteria provided. Collection method: clinical testing. Allele origin: germline.
Comment: The IHH c.85G>T variant is predicted to result in the amino acid substitution p.Gly29Trp. To our knowledge, this variant has not been reported in the literature or in a large population database, indicating this variant is rare. At this time, the clinical significance of this variant is uncertain due to the absence of conclusive functional and genetic evidence.